The following is an entry in ClinVar:

ClinVar aggregate classification (germline): Likely benign (1 of 4 stars; one submission).

Allele frequency attached by ClinVar (database versions not stated): ExAC 0.00001.
gnomAD v4.1: 20 of 1,613,994 alleles (0.0012%); highest among the groups gnomAD compares: African/African-American, 0.0027%; no homozygotes.

Submission:

CeGaT Center for Human Genetics Tuebingen
Classification: Likely benign. Last evaluated: 2023-10-01. Review status: criteria provided, single submitter. Criteria: CeGaT Center For Human Genetics Tuebingen Variant Classification Criteria Version 2. Collection method: clinical testing. Allele origin: germline. Affected: yes. Observed: 1 variant allele.
Comment: ANKH: BP4, BP7

NM_054027.6(ANKH):c.384G>A (p.Thr128=)

Gene: ANKH (ANKH inorganic pyrophosphate transport regulator; minus strand). Cytogenetic location: 5p15.2.
Variant type: single nucleotide variant.
Coding change: c.384G>A on transcript NM_054027.6 (MANE Select); coding-DNA position 384, G replaced by A.
Protein change: p.Thr128=; no amino-acid change (threonine 128 retained).
Molecular consequence: synonymous variant.
Genome position (GRCh38, 1-based): chr5:14,758,528, C>T on the plus strand (G>A on the coding strand, the complement: ANKH is on the minus strand). VCF-style: chr5-14758528-C-T. GRCh37 (hg19) VCF-style: chr5-14758637-C-T.
Identifiers: ClinVar variation 2655368 (VCV002655368.24), dbSNP rs751012581, ClinGen allele CA3209142.